The following is an entry in ClinVar:

ClinVar aggregate classification (germline): Conflicting classifications of pathogenicity. Review status: criteria provided, conflicting classifications (1 of 4 stars). 2 submissions from 2 submitters: Uncertain significance (1); Likely benign (1). Last evaluated 2024-10-29.

Conditions:
Inborn genetic diseases. Identifiers: MedGen C0950123, MeSH D030342.

Allele frequency attached by ClinVar (database versions not stated): TOPMed below 0.00001; gnomAD exomes 0.00001; ExAC 0.00005.
gnomAD v4.1: 16 of 1,551,516 alleles (0.001%); highest among the groups gnomAD compares: African/African-American, 0.0014%; no homozygotes.

Submissions (2):

Labcorp Genetics (formerly Invitae), Labcorp
Classification: Likely benign. Last evaluated: 2024-10-29. Review status: criteria provided, single submitter. Criteria: Invitae Variant Classification Sherloc (09022015). Collection method: clinical testing. Allele origin: germline.

Ambry Genetics
Classification: Uncertain significance for Inborn genetic diseases. Last evaluated: 2019-01-05. Review status: criteria provided, single submitter. Criteria: Ambry Variant Classification Scheme 2023. Collection method: clinical testing. Allele origin: germline.
Comment: The p.D2541N variant (also known as c.7621G>A), located in coding exon 37 of the CHD8 gene, results from a G to A substitution at nucleotide position 7621. The aspartic acid at codon 2541 is replaced by asparagine, an amino acid with highly similar properties. This amino acid position is not well conserved in available vertebrate species. In addition, this alteration is predicted to be tolerated by in silico analysis. Since supporting evidence is limited at this time, the clinical significance of this alteration remains unclear.

NM_001170629.2(CHD8):c.7621G>A (p.Asp2541Asn)

Gene: CHD8 (chromodomain helicase DNA binding protein 8; minus strand). Cytogenetic location: 14q11.2.
Variant type: single nucleotide variant.
Coding change: c.7621G>A on transcript NM_001170629.2 (MANE Select); coding-DNA position 7621, G replaced by A.
Protein change: p.Asp2541Asn; replaces aspartic acid 2541 with asparagine.
Molecular consequence: missense variant.
Genome position (GRCh38, 1-based): chr14:21,385,738, C>T on the plus strand (G>A on the coding strand, the complement: CHD8 is on the minus strand). VCF-style: chr14-21385738-C-T. GRCh37 (hg19) VCF-style: chr14-21853897-C-T.
Other names: c.6784G>A, p.Asp2262Asn (NM_020920.4); short protein forms D2541N, D2262N.
Identifiers: ClinVar variation 1759851 (VCV001759851.4), dbSNP rs752493285, ClinGen allele CA7090524.